The following is an entry in ClinVar:

ClinVar aggregate classification (germline): Uncertain significance; Pathogenic/Likely pathogenic. Review status: no assertion criteria provided (0 of 4 stars). 4 submissions from 4 submitters: Uncertain significance (3). Last evaluated 2014-12-19.

Submissions (4):

ISCA site 1
Classification: Uncertain significance. Last evaluated: 2014-12-19. Review status: no assertion criteria provided. Collection method: clinical testing. Allele origin: unknown. Affected: yes. Observed: 3 variant alleles. Clinical features observed: Global developmental delay (HP:0001263), obsolete Malformation of the heart and great vessels (HP:0002564).

ISCA site 17
Classification: Uncertain significance. Last evaluated: 2013-02-06. Review status: no assertion criteria provided. Collection method: clinical testing. Allele origin: unknown, maternal. Affected: yes. Observed: 6 variant alleles. Clinical features observed: Global developmental delay (HP:0001263), Developmental delay AND/OR other significant developmental or morphological phenotypes.

ISCA site 4
Classification: Uncertain significance. Last evaluated: 2010-02-28. Review status: no assertion criteria provided. Collection method: clinical testing. Allele origin: unknown. Affected: yes. Observed: 1 variant allele.

ISCA site 14
Classification: Pathogenic/Likely pathogenic. Review status: no assertion criteria provided. Collection method: clinical testing. Allele origin: maternal, unknown. Affected: yes. Observed: 2 variant alleles.
Comment: Pathogenic(1), Likely pathogenic(1)

Copy number variation identified through the course of routine clinical cytogenomic testing in postnatal populations, with clinical assertions as classified by the original submitter.

GRCh38/hg38 16p12.2(chr16:21826171-22396610)x1

Genes: CDR2 (cerebellar degeneration related protein 2), CDR2-DT (CDR2 divergent transcript), EEF2K (eukaryotic elongation factor 2 kinase), MOSMO (modulator of smoothened), NPIPB4 (nuclear pore complex interacting protein family member B4) and 33 more. Cytogenetic location: 16p12.2.
Variant type: copy number loss.
Change: copy number 1 (one copy instead of two) of chr16:21,826,171-22,396,610 (570.4 kb, GRCh38 coordinates, 1-based), cytogenetic band 16p12.2.
Identifiers: ClinVar variation 32255 (VCV000032255.4).